The following is an entry in ClinVar:

NM_052867.4(NALCN):c.645-2185T>C

Gene: NALCN (sodium leak channel, non-selective; minus strand). Cytogenetic location: 13q33.1.
Variant type: single nucleotide variant.
Coding change: c.645-2185T>C on transcript NM_052867.4 (MANE Select); 2185 bases into the intron before coding-DNA position 645, T replaced by C.
Molecular consequence: intron variant.
Genome position (GRCh38, 1-based): chr13:101,347,605, A>G on the plus strand (T>C on the coding strand, the complement: NALCN is on the minus strand). VCF-style: chr13-101347605-A-G. GRCh37 (hg19) VCF-style: chr13-101999956-A-G.
Other names: c.645-2185T>C (NM_001350751.2, NM_001350749.2, NM_001350750.2 and 1 more transcripts).
Identifiers: ClinVar variation 2643899 (VCV002643899.24), dbSNP rs142391033, ClinGen allele CA256077384.

ClinVar aggregate classification (germline): Benign (1 of 4 stars; one submission).

Allele frequency attached by ClinVar (database versions not stated): 1000 Genomes Project 0.00260; 1000 Genomes Project 30x 0.00312.
gnomAD v4.1: 862 of 152,276 alleles (0.57%); highest among the groups gnomAD compares: Non-Finnish European, 1%; 4 homozygotes.

Submission:

CeGaT Center for Human Genetics Tuebingen
Classification: Benign. Last evaluated: 2023-06-01. Review status: criteria provided, single submitter. Criteria: CeGaT Center For Human Genetics Tuebingen Variant Classification Criteria Version 2. Collection method: clinical testing. Allele origin: germline. Affected: yes. Observed: 2 variant alleles.
Comment: NALCN: BS1, BS2